The following is an entry in ClinVar:

ClinVar aggregate classification (germline): Benign/Likely benign. Review status: criteria provided, multiple submitters, no conflicts (2 of 4 stars). 2 submissions from 2 submitters: Benign (1); Likely benign (1). Last evaluated 2026-01-25.

Allele frequency attached by ClinVar (database versions not stated): gnomAD 0.00005 and 0.00041; TOPMed 0.00010; gnomAD exomes 0.00062 and 0.00124; 1000 Genomes Project 30x 0.00187; 1000 Genomes Project 0.00220; ExAC 0.00297.

Submissions (2):

Labcorp Genetics (formerly Invitae), Labcorp
Classification: Benign. Last evaluated: 2026-01-25. Review status: criteria provided, single submitter. Criteria: Invitae Variant Classification Sherloc (09022015). Collection method: clinical testing. Allele origin: germline.

GeneDx
Classification: Likely benign. Last evaluated: 2017-12-27. Review status: criteria provided, single submitter. Criteria: GeneDx Variant Classification (06012015). Collection method: clinical testing. Allele origin: germline. Affected: yes.
Comment: This variant is considered likely benign or benign based on one or more of the following criteria: it is a conservative change, it occurs at a poorly conserved position in the protein, it is predicted to be benign by multiple in silico algorithms, and/or has population frequency not consistent with disease.

NM_001042545.2(LTBP4):c.3832+8C>T

Gene: LTBP4 (latent transforming growth factor beta binding protein 4; plus strand). Cytogenetic location: 19q13.2.
Variant type: single nucleotide variant.
Coding change: c.3832+8C>T on transcript NM_001042545.2 (MANE Select); 8 bases into the intron after coding-DNA position 3832, C replaced by T.
Molecular consequence: intron variant.
Genome position (GRCh38, 1-based): chr19:40,624,090, C>T. VCF-style: chr19-40624090-C-T. GRCh37 (hg19) VCF-style: chr19-41129995-C-T.
Other names: c.3922+8C>T (NM_003573.2); c.4033+8C>T (NM_001042544.1).
Identifiers: ClinVar variation 389385 (VCV000389385.9), dbSNP rs556476928, ClinGen allele CA9449142.